The following is an entry in ClinVar:

NM_001083614.2(EARS2):c.164G>A (p.Arg55His)

Gene: EARS2 (glutamyl-tRNA synthetase 2, mitochondrial; minus strand). Cytogenetic location: 16p12.2.
Variant type: single nucleotide variant.
Coding change: c.164G>A on transcript NM_001083614.2 (MANE Select); coding-DNA position 164, G replaced by A.
Protein change: p.Arg55His; replaces arginine 55 with histidine.
Molecular consequence: missense variant. On other transcripts: non-coding transcript variant (1).
Genome position (GRCh38, 1-based): chr16:23,552,280, C>T on the plus strand (G>A on the coding strand, the complement: EARS2 is on the minus strand). VCF-style: chr16-23552280-C-T. GRCh37 (hg19) VCF-style: chr16-23563601-C-T.
Other names: c.164G>A, p.Arg55His (NM_001308211.1); short protein forms R55H.
Identifiers: ClinVar variation 973075 (VCV000973075.7), dbSNP rs770862902, ClinGen allele CA7962686.

ClinVar aggregate classification (germline): Uncertain significance. Review status: criteria provided, multiple submitters, no conflicts (2 of 4 stars). 2 submissions from 2 submitters: Uncertain significance (2). Last evaluated 2024-09-27.

Conditions:
Leukoencephalopathy-thalamus and brainstem anomalies-high lactate syndrome. Also called: LEUKOENCEPHALOPATHY WITH THALAMUS AND BRAINSTEM INVOLVEMENT AND HIGH LACTATE; Combined oxidative phosphorylation deficiency 12. Identifiers: Orphanet 314051, MedGen C4706421, MONDO:0013971, OMIM 614924.

Allele frequency attached by ClinVar (database versions not stated): TOPMed 0.00003; gnomAD 0.00010; ExAC 0.00012.
gnomAD v4.1: 108 of 1,614,034 alleles (0.0067%); highest among the groups gnomAD compares: Non-Finnish European, 0.0038%; no homozygotes.

Submissions (2):

GeneDx
Classification: Uncertain significance. Last evaluated: 2024-09-27. Review status: criteria provided, single submitter. Criteria: GeneDx Variant Classification Process June 2021. Collection method: clinical testing. Allele origin: germline. Affected: yes.
Comment: In silico analysis supports that this missense variant has a deleterious effect on protein structure/function; This variant is associated with the following publications: (PMID: 23427196, 33962821, 27290639, 25476837, 22492562)

Labcorp Genetics (formerly Invitae), Labcorp
Classification: Uncertain significance. Last evaluated: 2023-12-20. Review status: criteria provided, single submitter. Criteria: Invitae Variant Classification Sherloc (09022015). Collection method: clinical testing. Allele origin: germline.
Comment: This sequence change replaces arginine, which is basic and polar, with histidine, which is basic and polar, at codon 55 of the EARS2 protein (p.Arg55His). This variant is present in population databases (rs770862902, gnomAD 0.1%). This missense change has been observed in individual(s) with EARS2-related conditions (PMID: 22492562, 27290639). ClinVar contains an entry for this variant (Variation ID: 973075). Advanced modeling of protein sequence and biophysical properties (such as structural, functional, and spatial information, amino acid conservation, physicochemical variation, residue mobility, and thermodynamic stability) performed at Invitae indicates that this missense variant is expected to disrupt EARS2 protein function with a positive predictive value of 80%. This variant disrupts the p.Arg55 amino acid residue in EARS2. Other variant(s) that disrupt this residue have been observed in individuals with EARS2-related conditions (PMID: 33962821), which suggests that this may be a clinically significant amino acid residue. In summary, the available evidence is currently insufficient to determine the role of this variant in disease. Therefore, it has been classified as a Variant of Uncertain Significance.

Literature cited by the submitters: PubMed 22492562 (cited by Labcorp Genetics (formerly Invitae), Labcorp); PubMed 27290639 (cited by Labcorp Genetics (formerly Invitae), Labcorp); PubMed 33962821 (cited by Labcorp Genetics (formerly Invitae), Labcorp).